The following is an entry in ClinVar:

NM_017813.5(BPNT2):c.424G>A (p.Glu142Lys)

Gene: BPNT2 (3'(2'), 5'-bisphosphate nucleotidase 2; minus strand). Cytogenetic location: 8q12.1.
Variant type: single nucleotide variant.
Coding change: c.424G>A on transcript NM_017813.5 (MANE Select); coding-DNA position 424, G replaced by A.
Protein change: p.Glu142Lys; replaces glutamic acid 142 with lysine.
Molecular consequence: missense variant.
Genome position (GRCh38, 1-based): chr8:56,980,161, C>T on the plus strand (G>A on the coding strand, the complement: BPNT2 is on the minus strand). VCF-style: chr8-56980161-C-T. GRCh37 (hg19) VCF-style: chr8-57892720-C-T.
Other names: short protein forms E142K.
Identifiers: ClinVar variation 1681100 (VCV001681100.8), dbSNP rs1312183920, ClinGen allele CA371388207.

ClinVar aggregate classification (germline): Uncertain significance (1 of 4 stars; one submission).

Allele frequency attached by ClinVar (database versions not stated): gnomAD exomes below 0.00001; gnomAD 0.00001.
gnomAD v4.1: 2 of 1,613,636 alleles (0.00012%); highest among the groups gnomAD compares: South Asian, 0.0022%; no homozygotes.

Submission:

Labcorp Genetics (formerly Invitae), Labcorp
Classification: Uncertain significance. Last evaluated: 2021-04-02. Review status: criteria provided, single submitter. Criteria: Invitae Variant Classification Sherloc (09022015). Collection method: clinical testing. Allele origin: germline.
Comment: In summary, the available evidence is currently insufficient to determine the role of this variant in disease. Therefore, it has been classified as a Variant of Uncertain Significance. Algorithms developed to predict the effect of missense changes on protein structure and function are either unavailable or do not agree on the potential impact of this missense change (SIFT: "Deleterious"; PolyPhen-2: "Benign"; Align-GVGD: "Class C0"). This variant has not been reported in the literature in individuals with IMPAD1-related conditions. This variant is not present in population databases (ExAC no frequency). This sequence change replaces glutamic acid with lysine at codon 142 of the IMPAD1 protein (p.Glu142Lys). The glutamic acid residue is moderately conserved and there is a small physicochemical difference between glutamic acid and lysine.